The following is an entry in ClinVar:

ClinVar aggregate classification (germline): Uncertain significance. Review status: criteria provided, multiple submitters, no conflicts (2 of 4 stars). 6 submissions from 6 submitters: Uncertain significance (6). Last evaluated 2025-10-14.

Conditions:
Familial thoracic aortic aneurysm and aortic dissection (TAAD). Also called: Thoracic aortic aneurysms and dissections. Identifiers: Orphanet 91387, MedGen C4707243, MONDO:0019625.
Aneurysm-osteoarthritis syndrome. Also called: SMAD3-Related Loeys-Dietz Syndrome; ANEURYSMS-OSTEOARTHRITIS SYNDROME; Loeys-Dietz syndrome, type 1C; LOEYS-DIETZ SYNDROME WITH OSTEOARTHRITIS. Identifiers: Orphanet 284984, MedGen C3151087, MONDO:0013426, OMIM 613795.

Allele frequency attached by ClinVar (database versions not stated): ExAC 0.00001; gnomAD exomes 0.00001; TOPMed 0.00001.
gnomAD v4.1: 3 of 1,614,018 alleles (0.00019%); highest among the groups gnomAD compares: Non-Finnish European, 0.00025%; no homozygotes.

Submissions (6):

Ambry Genetics
Classification: Uncertain significance for Familial thoracic aortic aneurysm and aortic dissection. Last evaluated: 2025-10-14. Review status: criteria provided, single submitter. Criteria: Ambry Variant Classification Scheme 2023. Collection method: clinical testing. Allele origin: germline.
Comment: The p.S309G variant (also known as c.925A>G), located in coding exon 7 of the SMAD3 gene, results from an A to G substitution at nucleotide position 925. The serine at codon 309 is replaced by glycine, an amino acid with similar properties. This variant was reported in individual(s) with some features consistent with Loeys-Dietz syndrome (Ambry internal data). In an assay testing SMAD3 function in pulmonary artery smooth muscle cells, this variant showed a functionally similar effect when compared with wild type (Gong K et al. Mol Endocrinol, 2011 Oct;25:1794-803). This amino acid position is highly conserved in available vertebrate species. In addition, this alteration is predicted to be deleterious by in silico analysis. Based on the available evidence, the clinical significance of this variant remains unclear.

Color Diagnostics, LLC DBA Color Health
Classification: Uncertain significance for Familial thoracic aortic aneurysm and aortic dissection. Last evaluated: 2025-08-07. Review status: criteria provided, single submitter. Criteria: ACMG Guidelines, 2015. Collection method: clinical testing. Allele origin: germline.
Comment: This missense variant replaces serine with glycine at codon 309 of the SMAD3 protein. Computational prediction suggests that this variant may have deleterious impact on protein structure and function. To our knowledge, functional studies have not been reported for this variant. This variant has not been reported in individuals affected with SMAD3-related disorders in the literature. This variant has not been identified in the general population by the Genome Aggregation Database (gnomAD). The available evidence is insufficient to determine the role of this variant in disease conclusively. Therefore, this variant is classified as a Variant of Uncertain Significance.

Labcorp Genetics (formerly Invitae), Labcorp
Classification: Uncertain significance for Familial thoracic aortic aneurysm and aortic dissection. Last evaluated: 2025-03-30. Review status: criteria provided, single submitter. Criteria: Invitae Variant Classification Sherloc (09022015). Collection method: clinical testing. Allele origin: germline.
Comment: This sequence change replaces serine, which is neutral and polar, with glycine, which is neutral and non-polar, at codon 309 of the SMAD3 protein (p.Ser309Gly). This variant is not present in population databases (gnomAD no frequency). This variant has not been reported in the literature in individuals affected with SMAD3-related conditions. ClinVar contains an entry for this variant (Variation ID: 962972). Invitae Evidence Modeling incorporating data from in vitro experimental studies (internal data) indicates that this missense variant is not expected to disrupt SMAD3 function with a negative predictive value of 95%. In summary, the available evidence is currently insufficient to determine the role of this variant in disease. Therefore, it has been classified as a Variant of Uncertain Significance.

All of Us Research Program, National Institutes of Health
Classification: Uncertain significance for Aneurysm-osteoarthritis syndrome. Last evaluated: 2024-08-06. Review status: criteria provided, single submitter. Criteria: ACMG Guidelines, 2015. Collection method: clinical testing. Allele origin: germline. Inheritance: Autosomal dominant inheritance. Observed: 1 variant allele, 1 heterozygote.
Comment: This study involves interpretation of variants in research participants for the purpose of population health screening. Participant phenotype was not available at the time of variant classification. Additional details can be found in publication PMID: 35346344, PMCID: PMC8962531

GeneDx
Classification: Uncertain significance. Last evaluated: 2019-10-29. Review status: criteria provided, single submitter. Criteria: GeneDx Variant Classification Process June 2021. Collection method: clinical testing. Allele origin: germline. Affected: yes.
Comment: Has not been previously published as pathogenic or benign in association with a connective tissue disorder; Not observed in large population cohorts (Lek et al., 2016); In silico analysis, which includes protein predictors and evolutionary conservation, supports a deleterious effect; While in vitro functional studies suggest that the S309 variant may not affect the beta-2-tubulin binding in pulmonary artery smooth muscle cells (Gong et al., 2011), additional studies are needed to validate the effect of this variant; This variant is associated with the following publications: (PMID: 21868450)

CHEO Genetics Diagnostic Laboratory, Children's Hospital of Eastern Ontario
Classification: Uncertain significance for Familial thoracic aortic aneurysm and aortic dissection. Last evaluated: 2019-10-02. Review status: criteria provided, single submitter. Criteria: ACMG Guidelines, 2015. Collection method: clinical testing. Allele origin: germline.

Literature cited by the submitters: PubMed 21868450 (cited by Ambry Genetics).

NM_005902.4(SMAD3):c.925A>G (p.Ser309Gly)

Gene: SMAD3 (SMAD family member 3; plus strand). Cytogenetic location: 15q22.33.
Variant type: single nucleotide variant.
Coding change: c.925A>G on transcript NM_005902.4 (MANE Select); coding-DNA position 925, A replaced by G.
Protein change: p.Ser309Gly; replaces serine 309 with glycine.
Molecular consequence: missense variant.
Genome position (GRCh38, 1-based): chr15:67,184,780, A>G. VCF-style: chr15-67184780-A-G. GRCh37 (hg19) VCF-style: chr15-67477118-A-G.
Other names: c.610A>G, p.Ser204Gly (NM_001145102.2); c.793A>G, p.Ser265Gly (NM_001145103.2); c.340A>G, p.Ser114Gly (NM_001145104.2); short protein forms S265G, S204G, S309G, S114G.
Identifiers: ClinVar variation 962972 (VCV000962972.15), dbSNP rs754409301, ClinGen allele CA062848.